The following is an entry in ClinVar:

ClinVar aggregate classification (germline): Pathogenic/Likely pathogenic. Review status: criteria provided, multiple submitters, no conflicts (2 of 4 stars). 6 submissions from 6 submitters: Pathogenic (3); Likely pathogenic (1). 2 of the submissions do not count toward it. Last evaluated 2025-09-17.

Conditions:
Hereditary breast ovarian cancer syndrome. Also called: Hereditary breast and ovarian cancer syndrome (HBOC); BRCA1- and BRCA2-Associated Hereditary Breast and Ovarian Cancer; Hereditary breast and/or ovarian cancer syndrome; Hereditary breast and ovarian cancer syndrome; Hereditary breast and ovarian cancer; Breast and ovarian cancer. Identifiers: Orphanet 145, MedGen C0677776, MeSH D061325, MONDO:0003582. Disease mechanism: loss of function.
Hereditary cancer-predisposing syndrome. Also called: Neoplastic Syndromes, Hereditary; Hereditary neoplastic syndrome; Tumor predisposition; Hereditary Cancer Syndrome. Identifiers: Orphanet 140162, MedGen C0027672, MeSH D009386, MONDO:0015356.
Breast-ovarian cancer, familial, susceptibility to, 1 (BROVCA1). Also called: BRCA1 Hereditary Breast and Ovarian Cancer; OVARIAN CANCER, SUSCEPTIBILITY TO. Identifiers: Orphanet 145, MedGen C2676676, MONDO:0011450, OMIM 604370. Disease mechanism: loss of function.

Submissions (7):

Ambry Genetics
Classification: Pathogenic for Hereditary cancer-predisposing syndrome. Last evaluated: 2025-09-17. Review status: criteria provided, single submitter. Criteria: Ambry Variant Classification Scheme 2023. Collection method: clinical testing. Allele origin: germline.
Comment: The p.M1? pathogenic mutation (also known as c.3G>A) is located in coding exon 1 of the BRCA1 gene and results from a G to A substitution at nucleotide position 3. This alters the methionine residue at the initiation codon (ATG). Studies assessing the BRCA1 RING domain indicate the importance of the first 17 amino acids in maintaining the normal structure and function of the protein (Brzovic PS et al Nat Struct Biol. 2001; 8(10): 833-7; Brzovic PS et al J Biol Chem. 2001; 276(44):41399-406; Brzovic PS et al PNAS. 2003;100(10):5646-51; Couch FJ and Weber BL. Hum Mutat. 1996;8(1):8-18). One functional study found that this nucleotide substitution is deleterious in a high throughput genome editing haploid cell survival assay (Findlay GM et al. Nature 2018 10;562(7726):217-222). This variant is considered to be rare based on population cohorts in the Genome Aggregation Database (gnomAD). Sequence variations that modify the initiation codon are expected to result in either loss of translation initiation, N-terminal truncation, or cause a shift in the mRNA reading frame. Based on the supporting evidence, this variant is interpreted as a disease-causing mutation.

Labcorp Genetics (formerly Invitae), Labcorp
Classification: Pathogenic for Hereditary breast ovarian cancer syndrome. Last evaluated: 2022-02-21. Review status: criteria provided, single submitter. Criteria: Invitae Variant Classification Sherloc (09022015). Collection method: clinical testing. Allele origin: germline.
Comment: Algorithms developed to predict the effect of sequence changes on RNA splicing suggest that this variant may disrupt the consensus splice site. For these reasons, this variant has been classified as Pathogenic. Studies have shown that disruption of the initiator codon alters BRCA1 gene expression (PMID: 21922593). ClinVar contains an entry for this variant (Variation ID: 431194). A different variant (c.1A>G, c.2T>G, c.2T>C, and c.3G>T) giving rise to the same protein effect has been determined to be pathogenic (PMID: 10923033, 11595708, 11802209, 12827452, 21120943, 22006311, 24504028). This suggests that this variant is also likely to be causative of disease. This variant is not present in population databases (gnomAD no frequency). This sequence change affects the initiator methionine of the BRCA1 mRNA. The next in-frame methionine is located at codon 18.

Color Diagnostics, LLC DBA Color Health
Classification: Pathogenic for Hereditary cancer-predisposing syndrome. Last evaluated: 2021-04-29. Review status: criteria provided, single submitter. Criteria: ACMG Guidelines, 2015. Collection method: clinical testing. Allele origin: germline.
Comment: This variant disrupts the translation initiation codon of the BRCA1 protein and is expected to result in an absent or non-functional protein product. A functional study has reported that this variant impacts BRCA1 function in a haploid human cell proliferation assay (PMID: 30209399). This variant has been observed in at least two individuals affected with breast cancer (PMID: 9145677; Color internal data). Different variants that also disrupted the translation initiation codon, p.Met1, have also been reported in at least eight individuals affected with breast, ovarian and fallopian tube cancer (PMID: 11595708, 12827452, 16912212, 22006311, 24504028, 24884479, 25480878, 32008151, 33471991; Leiden Open Variation Database DB-ID BRCA1_002590). This variant has not been identified in the general population by the Genome Aggregation Database (gnomAD). Based on the available evidence, this variant is classified as Pathogenic.

Mendelics
Classification: Likely pathogenic for Breast-ovarian cancer, familial, susceptibility to, 1. Last evaluated: 2019-05-28. Review status: criteria provided, single submitter. Criteria: Mendelics Assertion Criteria 2017. Collection method: clinical testing. Allele origin: unknown.

Research Molecular Genetics Laboratory, Women's College Hospital, University of Toronto
Classification: Uncertain significance. Last evaluated: 2014-01-31. Review status: no assertion criteria provided. Collection method: research. Allele origin: germline. Affected: yes. Study: The Canadian Open Genetics Repository (COGR). Not counted in ClinVar's aggregate classification.

Brotman Baty Institute, University of Washington
No classification provided (evidence only). Condition: Breast-ovarian cancer, familial 1. Review status: no classification provided. Collection method: in vitro. Allele origin: not applicable. Functional consequence: functionally_abnormal. Not counted in ClinVar's aggregate classification.
ClinVar note: "not provided" was previously submitted as the classification for the variant. However, the classification appeared to be based only on an observation of functional data so it was converted to no classification on 2025-07-30.

Department of Pathology and Laboratory Medicine, Sinai Health System
Classification: Pathogenic. Review status: no assertion criteria provided. Collection method: clinical testing. Allele origin: unknown. Affected: yes. Study: The Canadian Open Genetics Repository (COGR). Not counted in ClinVar's aggregate classification.
Comment: The BRCA1 p.Met1? variant was identified in 3 of 59400 proband chromosomes (frequency: 0.00005) from families in a worldwide study by Rebbeck (2018). The variant was also identified in LOVD 3.0 (1x as pathogenic). Please note another variants, c.3G>T and c.3G>C at the same position with different nucleotide change and same amino acid change, p.Met1? were found in ClinVar Database and were classified as pathogenic by multiple submitters. The c.3G>A variant occurs in the first base of the translation initiation site (the methionine amino acid start site), increasing the likelihood this variant may disrupt translation or lead to an abnormal protein product. The variant was not identified in dbSNP, ClinVar, or UMD-LSDB. The variant was not identified in the following control databases: the Exome Aggregation Consortium (August 8th 2016), or the Genome Aggregation Database (Feb 27, 2017). In summary, based on the above information this variant meets our laboratoryâ€šÃ„Ã´s criteria to be classified as pathogenic.

Literature cited by the submitters: PubMed 30209399 (cited by Ambry Genetics); PubMed 35264596 (cited by Ambry Genetics); PubMed 8807330 (cited by Ambry Genetics); PubMed 21922593 (cited by Labcorp Genetics (formerly Invitae), Labcorp); PubMed 10923033 (cited by Labcorp Genetics (formerly Invitae), Labcorp); PubMed 11595708 (cited by Labcorp Genetics (formerly Invitae), Labcorp); PubMed 11802209 (cited by Labcorp Genetics (formerly Invitae), Labcorp); PubMed 12827452 (cited by Labcorp Genetics (formerly Invitae), Labcorp); PubMed 21120943 (cited by Labcorp Genetics (formerly Invitae), Labcorp); PubMed 22006311 (cited by Labcorp Genetics (formerly Invitae), Labcorp); PubMed 24504028 (cited by Labcorp Genetics (formerly Invitae), Labcorp).

NM_007294.4(BRCA1):c.3G>A (p.Met1Ile)

Gene: BRCA1 (BRCA1 DNA repair associated; minus strand). Cytogenetic location: 17q21.31.
Variant type: single nucleotide variant.
Coding change: c.3G>A on transcript NM_007294.4 (MANE Select); coding-DNA position 3, G replaced by A.
Protein change: p.Met1Ile; changes the start codon (methionine 1).
Molecular consequence: missense variant, initiator codon variant. On other transcripts: 5 prime UTR variant (1), non-coding transcript variant (1).
Genome position (GRCh38, 1-based): chr17:43,124,094, C>T on the plus strand (G>A on the coding strand, the complement: BRCA1 is on the minus strand). VCF-style: chr17-43124094-C-T. GRCh37 (hg19) VCF-style: chr17-41276111-C-T.
Other names: c.-186G>A (NM_001407571.1, NM_001407853.1, NM_001407879.1 and 46 more transcripts); c.3G>A, p.Met1Ile (NM_001407581.1, NM_001407582.1, NM_001407583.1 and 193 more transcripts); c.-255G>A (NM_001407694.1, NM_001407724.1, NM_001407727.1 and 11 more transcripts); c.-259G>A (NM_001407695.1, NM_001408465.1); c.-400G>A (NM_001407696.1); c.-284G>A (NM_001407697.1, NM_001407846.1, NM_001407920.1); c.-85G>A (NM_001407698.1, NM_001407732.1, NM_001407736.1 and 23 more transcripts); c.-258G>A (NM_001407725.1, NM_001407730.1, NM_001407734.1 and 22 more transcripts); and 8 more; short protein forms M1I.
Identifiers: ClinVar variation 431194 (VCV000431194.20), dbSNP rs80357475, ClinGen allele CA10602153.
Genomic context (GRCh38, chr17:43,124,094, plus strand): 5'-GATTTTCTGCATAGCATTAATGACATTTTGTACTTCTTCAACGCGAAGAGCAGATAAATC[C>T]ATTTCTTTCTGTTCCAATGAACTTTAACACATTAGAAAAACATATATATATATCTTTTTA-3'
Protein context (NP_009225.1, residues 1-11): [Met1Ile]DLSALRVEEV